The following is an entry in ClinVar:

ClinVar aggregate classification (germline): Pathogenic. Review status: criteria provided, multiple submitters, no conflicts (2 of 4 stars). 11 submissions from 11 submitters: Pathogenic (9). 2 of the submissions do not count toward it. Last evaluated 2026-09-07.

Conditions:
Monogenic short stature.
SHOX-related disorder. Also called: SHOX-related condition.
Leri-Weill dyschondrosteosis (LWD). Also called: DYSCHONDROSTEOSIS; Leri-Weill Dyschondrosteosis (LWD); Léri-Weill dyschondrosteosis. Identifiers: Orphanet 240, MedGen C0265309, MONDO:0007481, OMIM 127300.
SHOX-related short stature. Also called: SHORT STATURE, IDIOPATHIC, X-LINKED. Identifiers: Orphanet 314795, MedGen C1845118, MONDO:0010367, OMIM 300582. Disease mechanism: loss of function.

Allele frequency attached by ClinVar (database versions not stated): TOPMed below 0.00001; gnomAD 0.00001.
gnomAD v4.1: 10 of 1,613,720 alleles (0.00062%); highest among the groups gnomAD compares: Non-Finnish European, 0.00085%; no homozygotes.

Submissions (11):

Cambridge Genomics Laboratory, East Genomic Laboratory Hub, NHS Genomic Medicine Service
Classification: Pathogenic for Monogenic short stature. Last evaluated: 2026-09-07. Review status: criteria provided, single submitter. Criteria: ACGS Best Practice Guidelines for Variant Classification in Rare Disease 2020. Collection method: clinical testing. Allele origin: germline. Affected: yes.
Comment: PVS1_Strong,PM2,PP1_Strong

Dasa
Classification: Pathogenic. Last evaluated: 2024-07-18. Review status: criteria provided, single submitter. Criteria: DASA Assertion Criteria. Collection method: clinical testing. Allele origin: germline.
Comment: NM_000451.4(SHOX):c.583C>T (p.Arg195*) introduces a premature stop codon expected to truncate the protein. Loss-of-function is an established mechanism of disease for this gene, and the variant has been reported in individuals with SHOX-related growth disorders (PMID: 11889216). Based on the available data, this variant is classified as pathogenic.

Blueprint Genetics
Classification: Pathogenic for SHOX-related disorders. Last evaluated: 2024-03-13. Review status: criteria provided, single submitter. Criteria: ACMG Guidelines, 2015. Collection method: clinical testing. Allele origin: germline. Affected: yes. Observed: 5 variant alleles.

Women's Health and Genetics/Laboratory Corporation of America, LabCorp
Classification: Pathogenic for Leri-Weill dyschondrosteosis. Last evaluated: 2023-10-10. Review status: criteria provided, single submitter. Criteria: LabCorp Variant Classification Summary - May 2015. Collection method: clinical testing. Allele origin: germline.
Comment: Variant summary: SHOX c.583C>T (p.Arg195X) results in a premature termination codon, predicted to cause a truncation of the encoded protein or absence of the protein due to nonsense mediated decay, which are commonly known mechanisms for disease. The variant allele was found at a frequency of 1.2e-05 in 251166 control chromosomes. c.583C>T has been reported in the literature in individuals affected with Leri-Weill Dyschondrosteosis (e.g. Bunyan_2013). These data indicate that the variant is likely associated with disease. To our knowledge, no experimental evidence demonstrating an impact on protein function has been reported. The following publication has been ascertained in the context of this evaluation (PMID: 23636926). Five submitters have cited clinical-significance assessments for this variant to ClinVar after 2014. All submitters classified the variant as pathogenic. Based on the evidence outlined above, the variant was classified as pathogenic.

Athena Diagnostics
Classification: Pathogenic. Last evaluated: 2022-12-16. Review status: criteria provided, single submitter. Criteria: Athena Diagnostics Criteria. Collection method: clinical testing. Allele origin: unknown.
Comment: This variant is expected to result in the loss of a functional protein. The frequency of this variant in the general population is consistent with pathogenicity. This variant has been identified in individuals with Leri-Weill dyschondrosteosis (LWD) and short stature. In some published literature, this variant is referred to as c.674C>T.

GeneDx
Classification: Pathogenic. Last evaluated: 2022-07-11. Review status: criteria provided, single submitter. Criteria: GeneDx Variant Classification Process June 2021. Collection method: clinical testing. Allele origin: germline. Affected: yes.
Comment: Observed in multiple patients with SHOX-related disorders referred for genetic testing at GeneDx and in published literature (Fukami M et al., 2004; Rappold GA et al., 2002; Grigelioniene G et al., 2001; Rappold G et al., 2007; Bunyan DJ et al., 2013); Nonsense variant in the C-terminus predicted to result in protein truncation, as the last 98 amino acids are lost, and other loss-of-function variants have been reported downstream in the Human Gene Mutation Database (HGMD); Not observed at significant frequency in large population cohorts (gnomAD); This variant is associated with the following publications: (PMID: 17726696, 17028440, 15931687, 25525159, 10634394, 12424438, 32344414, 11891678, 17047016, 16227037, 9590292, 15118270, 11735031, 11889216, 11403039, 17182655, 11739418, 12362035, 10749976, 24077912, 23636926, 12070265, 27355317, 21150837, 9140395)

Clinical Genetics Laboratory, Skane University Hospital Lund
Classification: Pathogenic. Last evaluated: 2022-05-27. Review status: criteria provided, single submitter. Criteria: ACMG Guidelines, 2015. Collection method: clinical testing. Allele origin: germline. Affected: yes.

Mendelics
Classification: Pathogenic for Leri-Weill dyschondrosteosis. Last evaluated: 2022-05-04. Review status: criteria provided, single submitter. Criteria: Mendelics Assertion Criteria 2019. Collection method: clinical testing. Allele origin: germline.

Eurofins Ntd Llc (ga)
Classification: Pathogenic. Last evaluated: 2016-11-01. Review status: criteria provided, single submitter. Criteria: EGL Classification Definitions 2015. Collection method: clinical testing. Allele origin: germline.

PreventionGenetics, part of Exact Sciences
Classification: Pathogenic for SHOX-related condition. Last evaluated: 2024-08-19. Review status: no assertion criteria provided. Collection method: clinical testing. Allele origin: germline. Not counted in ClinVar's aggregate classification.
Comment: The SHOX c.583C>T variant is predicted to result in premature protein termination (p.Arg195*). This variant has been reported to be causative for SHOX-related disorder (reported as c.674C>T in Fig 7d, Rao et al. 1997. PubMed ID: 9140395; Bunyan et al. 2013. PubMed ID: 23636926; Flanagan et al. 2002. PubMed ID: 12362035). We interpret this variant as pathogenic.

OMIM
Classification: Pathogenic for SHORT STATURE, IDIOPATHIC, X-LINKED. Last evaluated: 1997-05-01. Review status: no assertion criteria provided. Collection method: literature only. Allele origin: germline. Not counted in ClinVar's aggregate classification.

Literature cited by the submitters: PubMed 11889216 (cited by Dasa); PubMed 12362035 (cited by Dasa); PubMed 11739418 (cited by Dasa); PubMed 23636926 (cited by Women's Health and Genetics/Laboratory Corporation of America, LabCorp and Athena Diagnostics); PubMed 9140395 (cited by Athena Diagnostics and OMIM); PubMed 11891678 (cited by Athena Diagnostics); PubMed 32344414 (cited by Athena Diagnostics).

NM_000451.4(SHOX):c.583C>T (p.Arg195Ter)

Gene: SHOX (SHOX homeobox; plus strand). Cytogenetic location: Yp11.2.
Variant type: single nucleotide variant.
Coding change: c.583C>T on transcript NM_000451.4 (MANE Select); coding-DNA position 583, C replaced by T.
Protein change: p.Arg195Ter; replaces arginine 195 with a stop codon.
Molecular consequence: nonsense.
Genome position (GRCh38, 1-based): chrX:641,037, C>T. VCF-style: chrX-641037-C-T. GRCh37 (hg19) VCF-style: chrX-601772-C-T.
Other names: c.583C>T, p.Arg195Ter (NM_006883.2); short protein forms R195*.
Identifiers: ClinVar variation 9872 (VCV000009872.17), dbSNP rs137852552, ClinGen allele CA213424.